The following is an entry in ClinVar:

NM_018489.3(ASH1L):c.8375T>C (p.Ile2792Thr)

Gene: ASH1L (ASH1 like histone lysine methyltransferase; minus strand). Cytogenetic location: 1q22.
Variant type: single nucleotide variant.
Coding change: c.8375T>C on transcript NM_018489.3 (MANE Select); coding-DNA position 8375, T replaced by C.
Protein change: p.Ile2792Thr; replaces isoleucine 2792 with threonine.
Molecular consequence: missense variant.
Genome position (GRCh38, 1-based): chr1:155,342,021, A>G on the plus strand (T>C on the coding strand, the complement: ASH1L is on the minus strand). VCF-style: chr1-155342021-A-G. GRCh37 (hg19) VCF-style: chr1-155311812-A-G.
Other names: c.8390T>C, p.Ile2797Thr (NM_001366177.2); short protein forms I2792T, I2797T.
Identifiers: ClinVar variation 1318428 (VCV001318428.3), dbSNP rs2148318345, ClinGen allele CA342724334.

ClinVar aggregate classification (germline): Uncertain significance (1 of 4 stars; one submission).

gnomAD v4.1: 1 of 1,614,066 alleles (0.000062%); highest among the groups gnomAD compares: Non-Finnish European, 0.000085%; no homozygotes.

Submission:

GeneDx
Classification: Uncertain significance. Last evaluated: 2024-07-14. Review status: criteria provided, single submitter. Criteria: GeneDx Variant Classification Process June 2021. Collection method: clinical testing. Allele origin: germline. Affected: yes.
Comment: Not observed at significant frequency in large population cohorts (gnomAD); In silico analysis supports that this missense variant has a deleterious effect on protein structure/function; Has not been previously published as pathogenic or benign to our knowledge